The following is an entry in ClinVar:

NM_003051.4(SLC16A1):c.1055C>T (p.Thr352Ile)

Gene: SLC16A1 (solute carrier family 16 member 1; minus strand). Cytogenetic location: 1p13.2.
Variant type: single nucleotide variant.
Coding change: c.1055C>T on transcript NM_003051.4 (MANE Select); coding-DNA position 1055, C replaced by T.
Protein change: p.Thr352Ile; replaces threonine 352 with isoleucine.
Molecular consequence: missense variant.
Genome position (GRCh38, 1-based): chr1:112,917,351, G>A on the plus strand (C>T on the coding strand, the complement: SLC16A1 is on the minus strand). VCF-style: chr1-112917351-G-A. GRCh37 (hg19) VCF-style: chr1-113459973-G-A.
Other names: c.1055C>T, p.Thr352Ile (NM_001166496.2); short protein forms T352I.
Identifiers: ClinVar variation 2075927 (VCV002075927.6), dbSNP rs200783174, ClinGen allele CA1011338.
Genomic context (GRCh38, chr1:112,917,351, plus strand): 5'-GAGCTGAGCCACCCGAAGGCAAATCCAAAGAATCCCGCATAGACACAGAATCCAACATAG[G>A]TAGTGGATAAAGGTGCTAGCATATGACACACTCCATTTGCAACAACGGAAGCCGCAAAGA-3'
Protein context (NP_003042.3, residues 342-362): VCHMLAPLST[Thr352Ile]YVGFCVYAGF

ClinVar aggregate classification (germline): Uncertain significance. Review status: criteria provided, multiple submitters, no conflicts (2 of 4 stars). 2 submissions from 2 submitters: Uncertain significance (2). Last evaluated 2026-01-21.

Conditions:
Inborn genetic diseases. Identifiers: MedGen C0950123, MeSH D030342.

Allele frequency attached by ClinVar (database versions not stated): ExAC 0.00003; gnomAD 0.00003; gnomAD exomes 0.00004; TOPMed 0.00004.
gnomAD v4.1: 63 of 1,614,070 alleles (0.0039%); highest among the groups gnomAD compares: Admixed American, 0.013%; 1 homozygote.

Submissions (2):

Labcorp Genetics (formerly Invitae), Labcorp
Classification: Uncertain significance. Last evaluated: 2026-01-21. Review status: criteria provided, single submitter. Criteria: Invitae Variant Classification Sherloc (09022015). Collection method: clinical testing. Allele origin: germline.
Comment: This sequence change replaces threonine, which is neutral and polar, with isoleucine, which is neutral and non-polar, at codon 352 of the SLC16A1 protein (p.Thr352Ile). This variant is present in population databases (rs200783174, gnomAD 0.01%). This variant has not been reported in the literature in individuals affected with SLC16A1-related conditions. ClinVar contains an entry for this variant (Variation ID: 2075927). An algorithm developed to predict the effect of missense changes on protein structure and function (PolyPhen-2) suggests that this variant is likely to be disruptive. In summary, the available evidence is currently insufficient to determine the role of this variant in disease. Therefore, it has been classified as a Variant of Uncertain Significance.

Ambry Genetics
Classification: Uncertain significance for Inborn genetic diseases. Last evaluated: 2025-05-28. Review status: criteria provided, single submitter. Criteria: Ambry Variant Classification Scheme 2023. Collection method: clinical testing. Allele origin: germline.